The following is an entry in ClinVar:

ClinVar aggregate classification (germline): Uncertain significance (1 of 4 stars; one submission).

Conditions:
Developmental and epileptic encephalopathy, 1 (DEE1). Also called: X-linked infantile spasms; West's syndrome; Tonic spasms with clustering, arrest of psychomotor development and hypsarrhythmia on EEG; X-Linked Infantile Spasm Syndrome; OHTAHARA SYNDROME, X-LINKED; Epileptic encephalopathy, early infantile, 1. Identifiers: MedGen C3463992, MONDO:0010632, OMIM 308350. Disease mechanism: loss of function.
Autosomal recessive spinocerebellar ataxia 12. Also called: SPINOCEREBELLAR ATAXIA WITH MENTAL RETARDATION AND EPILEPSY. Identifiers: Orphanet 284282, MedGen C3280452, MONDO:0013687, OMIM 614322.

Submission:

Labcorp Genetics (formerly Invitae), Labcorp
Classification: Uncertain significance for Developmental and epileptic encephalopathy, 1; Autosomal recessive spinocerebellar ataxia 12. Last evaluated: 2022-08-10. Review status: criteria provided, single submitter. Criteria: Invitae Variant Classification Sherloc (09022015). Collection method: clinical testing. Allele origin: germline.
Comment: This sequence change replaces threonine, which is neutral and polar, with serine, which is neutral and polar, at codon 358 of the WWOX protein (p.Thr358Ser). This variant is not present in population databases (gnomAD no frequency). This variant has not been reported in the literature in individuals affected with WWOX-related conditions. ClinVar contains an entry for this variant (Variation ID: 1385440). Algorithms developed to predict the effect of missense changes on protein structure and function are either unavailable or do not agree on the potential impact of this missense change (SIFT: "Not Available"; PolyPhen-2: "Possibly Damaging"; Align-GVGD: "Not Available"). In summary, the available evidence is currently insufficient to determine the role of this variant in disease. Therefore, it has been classified as a Variant of Uncertain Significance.

NM_016373.4(WWOX):c.1073C>G (p.Thr358Ser)

Genes: MAF (MAF bZIP transcription factor; minus strand), WWOX (WW domain containing oxidoreductase; plus strand). Cytogenetic location: 16q23.2.
Variant type: single nucleotide variant.
Coding change: c.1073C>G on transcript NM_016373.4 (MANE Select); coding-DNA position 1073, C replaced by G.
Protein change: p.Thr358Ser; replaces threonine 358 with serine.
Molecular consequence: missense variant.
Genome position (GRCh38, 1-based): chr16:79,211,624, C>G. VCF-style: chr16-79211624-C-G. GRCh37 (hg19) VCF-style: chr16-79245521-C-G.
Other names: c.734C>G, p.Thr245Ser (NM_001291997.2); short protein forms T245S, T358S.
Identifiers: ClinVar variation 1385440 (VCV001385440.3), dbSNP rs1555547940, ClinGen allele CA396536962.